The following is an entry in ClinVar:

NM_024675.4(PALB2):c.24C>A (p.Pro8=)

Gene: PALB2 (partner and localizer of BRCA2; minus strand). Cytogenetic location: 16p12.2.
Variant type: single nucleotide variant.
Coding change: c.24C>A on transcript NM_024675.4 (MANE Select); coding-DNA position 24, C replaced by A.
Protein change: p.Pro8=; no amino-acid change (proline 8 retained).
Molecular consequence: synonymous variant.
Genome position (GRCh38, 1-based): chr16:23,641,134, G>T on the plus strand (C>A on the coding strand, the complement: PALB2 is on the minus strand). VCF-style: chr16-23641134-G-T. GRCh37 (hg19) VCF-style: chr16-23652455-G-T.
Identifiers: ClinVar variation 629367 (VCV000629367.17), dbSNP rs766487850, ClinGen allele CA494168474.

ClinVar aggregate classification (germline): Benign/Likely benign. Review status: criteria provided, multiple submitters, no conflicts (2 of 4 stars). 6 submissions from 6 submitters: Benign (1); Likely benign (5). Last evaluated 2025-08-20.

Conditions:
Familial cancer of breast. Also called: BREAST CANCER, FAMILIAL; Hereditary breast cancer; hereditary breast carcinoma. Identifiers: Orphanet 227535, MedGen C0346153, MONDO:0016419, OMIM 114480. Disease mechanism: loss of function.
Hereditary cancer-predisposing syndrome. Also called: Neoplastic Syndromes, Hereditary; Tumor predisposition; Hereditary neoplastic syndrome; Hereditary Cancer Syndrome. Identifiers: Orphanet 140162, MedGen C0027672, MeSH D009386, MONDO:0015356.

Allele frequency attached by ClinVar (database versions not stated): gnomAD 0.00001.
gnomAD v4.1: 1 of 1,613,330 alleles (0.000062%); highest among the groups gnomAD compares: Admixed American, 0.0017%; no homozygotes.

Submissions (6):

Labcorp Genetics (formerly Invitae), Labcorp
Classification: Likely benign for Familial cancer of breast. Last evaluated: 2025-08-20. Review status: criteria provided, single submitter. Criteria: Invitae Variant Classification Sherloc (09022015). Collection method: clinical testing. Allele origin: germline.

Quest Diagnostics Nichols Institute San Juan Capistrano
Classification: Likely benign. Last evaluated: 2025-02-04. Review status: criteria provided, single submitter. Criteria: Quest Diagnostics criteria. Collection method: clinical testing. Allele origin: unknown.

Myriad Genetics, Inc.
Classification: Benign for Familial cancer of breast. Last evaluated: 2025-01-09. Review status: criteria provided, single submitter. Criteria: Myriad Autosomal Dominant, Autosomal Recessive and X-Linked Classification Criteria (2023). Collection method: clinical testing. Allele origin: unknown.
Comment: This variant is considered benign. This variant is a silent/synonymous amino acid change and it is not expected to impact splicing.

Ambry Genetics
Classification: Likely benign for Hereditary cancer-predisposing syndrome. Last evaluated: 2022-01-04. Review status: criteria provided, single submitter. Criteria: Ambry Variant Classification Scheme 2023. Collection method: clinical testing. Allele origin: germline.

Color Diagnostics, LLC DBA Color Health
Classification: Likely benign for Hereditary cancer-predisposing syndrome. Last evaluated: 2018-10-02. Review status: criteria provided, single submitter. Criteria: ACMG Guidelines, 2015. Collection method: clinical testing. Allele origin: germline.

GeneDx
Classification: Likely benign. Last evaluated: 2018-05-18. Review status: criteria provided, single submitter. Criteria: GeneDx Variant Classification (06012015). Collection method: clinical testing. Allele origin: germline. Affected: yes.
Comment: This variant is considered likely benign or benign based on one or more of the following criteria: it is a conservative change, it occurs at a poorly conserved position in the protein, it is predicted to be benign by multiple in silico algorithms, and/or has population frequency not consistent with disease.